The following is an entry in ClinVar:

ClinVar aggregate classification (germline): Conflicting classifications of pathogenicity. Review status: criteria provided, conflicting classifications (1 of 4 stars). 2 submissions from 2 submitters: Uncertain significance (1); Likely benign (1). Last evaluated 2025-12-26.

Allele frequency attached by ClinVar (database versions not stated): 1000 Genomes Project 30x 0.00031; ExAC 0.00005; TOPMed 0.00011; gnomAD exomes 0.00002; 1000 Genomes Project 0.00020; gnomAD 0.00006 and 0.00009; ESP Exome Variant Server 0.00022.
gnomAD v4.1: 21 of 1,551,732 alleles (0.0014%); highest among the groups gnomAD compares: African/African-American, 0.029%; no homozygotes.

Submissions (2):

Labcorp Genetics (formerly Invitae), Labcorp
Classification: Likely benign. Last evaluated: 2025-12-26. Review status: criteria provided, single submitter. Criteria: Invitae Variant Classification Sherloc (09022015). Collection method: clinical testing. Allele origin: germline.

Laboratory for Molecular Medicine, Mass General Brigham Personalized Medicine
Classification: Uncertain significance. Last evaluated: 2015-02-18. Review status: criteria provided, single submitter. Criteria: LMM Criteria. Collection method: clinical testing. Allele origin: germline. Observed: 1 variant allele.
Comment: Variant classified as Uncertain Significance - Favor Benign. The c.4741-11C>G va riant in LOXHD1 has not been previously reported in individuals with hearing los s, but has been identified in 1/2754 African chromosomes by the Exome Aggregatio n Consortium (ExAC; rs181095005). This variant i s located in the 3' splice region, but is not located in the conserved positions of the splice site consensus sequence. Computational tools do not suggest an im pact to splicing. However, this information is not predictive enough to rule out pathogenicity. In summary, while the clinical significance of the c.4741-11C>G variant is uncertain, the computational data suggest that it is more likely to b e benign.

NM_001384474.1(LOXHD1):c.4741-11C>G

Gene: LOXHD1 (lipoxygenase homology PLAT domains 1; minus strand). Cytogenetic location: 18q21.1.
Variant type: single nucleotide variant.
Coding change: c.4741-11C>G on transcript NM_001384474.1 (MANE Select); 11 bases into the intron before coding-DNA position 4741, C replaced by G.
Molecular consequence: intron variant.
Genome position (GRCh38, 1-based): chr18:46,524,612, G>C on the plus strand (C>G on the coding strand, the complement: LOXHD1 is on the minus strand). VCF-style: chr18-46524612-G-C. GRCh37 (hg19) VCF-style: chr18-44104575-G-C.
Other names: c.1408-11C>G (NM_001145472.3); c.1120-11C>G (NM_001308013.2); c.4741-11C>G (NM_144612.7).
Identifiers: ClinVar variation 228828 (VCV000228828.7), dbSNP rs181095005, ClinGen allele CA8952296.